The following is an entry in ClinVar:

NM_206933.4(USH2A):c.1684C>T (p.Arg562Cys)

Gene: USH2A (usherin; minus strand). Cytogenetic location: 1q41.
Variant type: single nucleotide variant.
Coding change: c.1684C>T on transcript NM_206933.4 (MANE Select); coding-DNA position 1684, C replaced by T.
Protein change: p.Arg562Cys; replaces arginine 562 with cysteine.
Molecular consequence: missense variant.
Genome position (GRCh38, 1-based): chr1:216,292,331, G>A on the plus strand (C>T on the coding strand, the complement: USH2A is on the minus strand). VCF-style: chr1-216292331-G-A. GRCh37 (hg19) VCF-style: chr1-216465673-G-A.
Other names: c.1684C>T, p.Arg562Cys (NM_007123.6); short protein forms R562C.
Identifiers: ClinVar variation 1020984 (VCV001020984.4), dbSNP rs766452143, ClinGen allele CA1396425.
Genomic context (GRCh38, chr1:216,292,331, plus strand): 5'-TGGAATGGCTGTTGCATTGACAAGGTTTACAATTGAAAGCGTAAACTTGATCACCTTGGC[G>A]GAAAGGCTTGTCATTATAAAGAGGCAAGCAGCGATCACACTAGAACAAAAAATATCAGAA-3'
Protein context (NP_996816.3, residues 552-572): CLPLYNDKPF[Arg562Cys]QGDQVYAFNC

ClinVar aggregate classification (germline): Uncertain significance (1 of 4 stars; one submission).

Allele frequency attached by ClinVar (database versions not stated): ExAC 0.00001; gnomAD exomes 0.00001; gnomAD 0.00002; TOPMed 0.00002.
gnomAD v4.1: 10 of 1,613,804 alleles (0.00062%); highest among the groups gnomAD compares: East Asian, 0.0089%; no homozygotes.

Submission:

Labcorp Genetics (formerly Invitae), Labcorp
Classification: Uncertain significance. Last evaluated: 2024-02-24. Review status: criteria provided, single submitter. Criteria: Invitae Variant Classification Sherloc (09022015). Collection method: clinical testing. Allele origin: germline.
Comment: This sequence change replaces arginine, which is basic and polar, with cysteine, which is neutral and slightly polar, at codon 562 of the USH2A protein (p.Arg562Cys). This variant is present in population databases (rs766452143, gnomAD 0.01%). This variant has not been reported in the literature in individuals affected with USH2A-related conditions. ClinVar contains an entry for this variant (Variation ID: 1020984). Algorithms developed to predict the effect of missense changes on protein structure and function output the following: SIFT: "Not Available"; PolyPhen-2: "Probably Damaging"; Align-GVGD: "Not Available". The cysteine amino acid residue is found in multiple mammalian species, which suggests that this missense change does not adversely affect protein function. In summary, the available evidence is currently insufficient to determine the role of this variant in disease. Therefore, it has been classified as a Variant of Uncertain Significance.